The following is an entry in ClinVar:

ClinVar aggregate classification (germline): Uncertain significance (1 of 4 stars; one submission).

Conditions:
POMC-related disorder. Also called: POMC-related disorders; POMC-related condition.

Submission:

PreventionGenetics, part of Exact Sciences
Classification: Uncertain significance for POMC-related condition. Last evaluated: 2025-05-02. Review status: criteria provided, single submitter. Criteria: ACMG Guidelines, 2015. Collection method: clinical testing. Allele origin: germline.
Comment: The POMC c.283_285dupAGC variant is predicted to result in an in-frame duplication (p.Ser95dup). To our knowledge, this variant has not been reported in the literature or in a large population database (gnomAD), indicating this variant is rare. At this time, the clinical significance of this variant is uncertain due to the absence of conclusive functional and genetic evidence.

NM_000939.4(POMC):c.274AGC[5] (p.Ser95_Gly96insSer)

Gene: POMC (proopiomelanocortin; minus strand). Cytogenetic location: 2p23.3.
Variant type: Microsatellite.
Coding change: c.274AGC[5] on transcript NM_000939.4 (MANE Select); five copies in a row of the 3-base unit AGC starting at c.274; the reference has four copies in a row; one copy, 3 bases duplicated.
Protein change: p.Ser95_Gly96insSer.
Molecular consequence: inframe insertion.
Genome position (GRCh38, 1-based): chr2:25,161,600-25,161,602, GCT duplicated on the plus strand (AGC on the coding strand, the reverse complement: POMC is on the minus strand); duplicating any 3 consecutive bases within chr2:25,161,600-25,161,612 gives the same sequence; the position shown is the placement nearest the transcript's 3' end. VCF-style (leftmost placement, unchanged base first): chr2-25161599-C-CGCT. GRCh37 (hg19) VCF-style: chr2-25384468-C-CGCT.
Other names: c.274AGC[5], p.Ser95_Gly96insSer (NM_001035256.3, NM_001319204.2, NM_001319205.2).
Identifiers: ClinVar variation 4988685 (VCV004988685.1).